The following is an entry in ClinVar:

ClinVar aggregate classification (germline): Pathogenic. Review status: criteria provided, multiple submitters, no conflicts (2 of 4 stars). 3 submissions from 3 submitters: Pathogenic (3). Last evaluated 2024-01-24.

Conditions:
Autosomal recessive nonsyndromic hearing loss 3. Also called: NEUROSENSORY NONSYNDROMIC RECESSIVE DEAFNESS 3. Identifiers: Orphanet 90636, MedGen C1838263, MONDO:0010860, OMIM 600316.

Allele frequency attached by ClinVar (database versions not stated): ExAC 0.00001; gnomAD exomes 0.00001; TOPMed 0.00001.
gnomAD v4.1: 15 of 1,613,922 alleles (0.00093%); highest among the groups gnomAD compares: South Asian, 0.0011%; no homozygotes.

Submissions (3):

Labcorp Genetics (formerly Invitae), Labcorp
Classification: Pathogenic. Last evaluated: 2024-01-24. Review status: criteria provided, single submitter. Criteria: Invitae Variant Classification Sherloc (09022015). Collection method: clinical testing. Allele origin: germline.
Comment: This sequence change affects a donor splice site in intron 4 of the MYO15A gene. It is expected to disrupt RNA splicing. Variants that disrupt the donor or acceptor splice site typically lead to a loss of protein function (PMID: 16199547), and loss-of-function variants in MYO15A are known to be pathogenic (PMID: 17546645). This variant is present in population databases (rs748108031, gnomAD 0.006%). Disruption of this splice site has been observed in individuals with deafness (PMID: 11735029, 26763877, 26969326). It has also been observed to segregate with disease in related individuals. ClinVar contains an entry for this variant (Variation ID: 1208195). Algorithms developed to predict the effect of sequence changes on RNA splicing suggest that this variant may disrupt the consensus splice site. For these reasons, this variant has been classified as Pathogenic.

GeneDx
Classification: Pathogenic. Last evaluated: 2019-02-18. Review status: criteria provided, single submitter. Criteria: GeneDx Variant Classification Process June 2021. Collection method: clinical testing. Allele origin: germline. Affected: yes.
Comment: Canonical splice site variant in a gene for which loss-of-function is a known mechanism of disease; Not observed at a significant frequency in large population cohorts (Lek et al., 2016); This variant is associated with the following publications: (PMID: 26763877, 11735029, 25373420)

Juno Genomics, Hangzhou Juno Genomics, Inc
Classification: Pathogenic for Autosomal recessive nonsyndromic hearing loss 3. Review status: criteria provided, single submitter. Criteria: ACMG Guidelines, 2015. Collection method: clinical testing. Allele origin: germline. Affected: yes.
Comment: Null variant in a gene where loss of function (LOF) is a known mechanism of disease.;Absent from controls (or at extremely low frequency if recessive) in Genome Aggregation Database, Exome Sequencing Project, 1000 Genomes Project, or Exome Aggregation Consortium.;For recessive disorders, detected in trans with a pathogenic variant.

Literature cited by the submitters: PubMed 16199547 (cited by Labcorp Genetics (formerly Invitae), Labcorp); PubMed 17546645 (cited by Labcorp Genetics (formerly Invitae), Labcorp); PubMed 11735029 (cited by Labcorp Genetics (formerly Invitae), Labcorp); PubMed 26763877 (cited by Labcorp Genetics (formerly Invitae), Labcorp); PubMed 26969326 (cited by Labcorp Genetics (formerly Invitae), Labcorp).

NM_016239.4(MYO15A):c.3756+1G>A

Gene: MYO15A (myosin XVA; plus strand). Cytogenetic location: 17p11.2.
Variant type: single nucleotide variant.
Coding change: c.3756+1G>A on transcript NM_016239.4 (MANE Select); the canonical splice donor site of the intron after coding-DNA position 3756, G replaced by A.
Molecular consequence: splice donor variant.
Genome position (GRCh38, 1-based): chr17:18,125,232, G>A. VCF-style: chr17-18125232-G-A. GRCh37 (hg19) VCF-style: chr17-18028546-G-A.
Identifiers: ClinVar variation 1208195 (VCV001208195.10), dbSNP rs748108031, ClinGen allele CA8423561.